The following is an entry in ClinVar:

NM_001365902.3(NFIX):c.1087dup (p.Arg363fs)

Gene: NFIX (nuclear factor I X; plus strand). Cytogenetic location: 19p13.13.
Variant type: Duplication.
Coding change: c.1087dup on transcript NM_001365902.3 (MANE Select); coding-DNA position 1087, one base duplicated (C; older notation c.1087dupC).
Protein change: p.Arg363fs; shifts the reading frame from arginine 363.
Molecular consequence: frameshift variant.
Genome position (GRCh38, 1-based): chr19:13,081,688, C duplicated; the last of 5 consecutive C bases (chr19:13,081,684-13,081,688); duplicating any one gives the same sequence. VCF-style (leftmost placement, unchanged base first): chr19-13081683-G-GC. GRCh37 (hg19) VCF-style: chr19-13192497-G-GC.
Other names: c.1111dupC (NM_001271043.2); c.1111dup, p.Arg371fs (NM_001271043.2); c.1063dup, p.Arg355fs (NM_001271044.3, NM_001378404.1); c.964dup, p.Arg322fs (NM_001365982.2); c.946dup, p.Arg316fs (NM_001365983.2); c.1084dup, p.Arg362fs (NM_001365984.2, NM_001365985.2); c.1135dup, p.Arg379fs (NM_001378405.1); c.1087dup, p.Arg363fs (NM_002501.4); and 1 more; short protein forms R355fs, R362fs, R371fs, R363fs, R316fs, R322fs, R379fs.
Identifiers: ClinVar variation 280440 (VCV000280440.7), dbSNP rs886041647, ClinGen allele CA10603432.

ClinVar aggregate classification (germline): Pathogenic. Review status: criteria provided, multiple submitters, no conflicts (2 of 4 stars). 4 submissions from 4 submitters: Pathogenic (4). Last evaluated 2026-01-07.

Conditions:
NFIX-related disorder. Also called: NFIX-related condition.
Malan overgrowth syndrome (MALNS). Also called: MALAN SYNDROME; NFIX-Related Malan Syndrome; Sotos syndrome 2. Identifiers: Orphanet 420179, MedGen C3553660, MONDO:0013885, OMIM 614753.
Marshall-Smith syndrome (MRSHSS). Identifiers: Orphanet 561, MedGen C0265211, MONDO:0011244, OMIM 602535.

Submissions (4):

GeneDx
Classification: Pathogenic. Last evaluated: 2026-01-07. Review status: criteria provided, single submitter. Criteria: GeneDx Variant Classification Process June 2021. Collection method: clinical testing. Allele origin: germline. Affected: yes.
Comment: Frameshift variant predicted to result in protein truncation or nonsense mediated decay in a gene for which loss of function is a known mechanism of disease; Not observed at significant frequency in large population cohorts (gnomAD); Has not been previously published as pathogenic or benign to our knowledge

Genesolutions, Medical Genetics Institutes, Ho Chi Minh City, Vietnam
Classification: Pathogenic for Malan overgrowth syndrome. Last evaluated: 2025-09-24. Review status: criteria provided, single submitter. Criteria: ACMG Guidelines, 2015. Collection method: clinical testing. Allele origin: germline. Affected: yes.

PreventionGenetics, part of Exact Sciences
Classification: Pathogenic for NFIX-related condition. Last evaluated: 2022-09-27. Review status: criteria provided, single submitter. Criteria: ACMG Guidelines, 2015. Collection method: clinical testing. Allele origin: germline.
Comment: The NFIX c.1087dupC variant is predicted to result in a frameshift and premature protein termination (p.Arg363Profs*92). To our knowledge, this variant has not been reported in the literature or in a large population database, indicating this variant is rare. Frameshift variants in NFIX are expected to be pathogenic. This variant is interpreted as pathogenic.

Kasturba Medical College, Manipal, Kasturba Medical College, Manipal, Manipal Academy of Higher Education, Manipal, India
Classification: Pathogenic for Marshall-Smith syndrome. Review status: criteria provided, single submitter. Criteria: ACMG Guidelines, 2015. Collection method: clinical testing. Allele origin: de novo. Inheritance: Autosomal dominant inheritance. Affected: yes. Observed: 1 heterozygote.